The following is an entry in ClinVar:

NM_000091.5(COL4A3):c.1927+249T>C

Genes: COL4A3 (collagen type IV alpha 3 chain; plus strand), MFF-DT (MFF divergent transcript; minus strand). Cytogenetic location: 2q36.3.
Variant type: single nucleotide variant.
Coding change: c.1927+249T>C on transcript NM_000091.5 (MANE Select); 249 bases into the intron after coding-DNA position 1927, T replaced by C.
Molecular consequence: intron variant.
Genome position (GRCh38, 1-based): chr2:227,273,366, T>C. VCF-style: chr2-227273366-T-C. GRCh37 (hg19) VCF-style: chr2-228138082-T-C.
Identifiers: ClinVar variation 4852739 (VCV004852739.2).

ClinVar aggregate classification (germline): Likely benign (1 of 4 stars; one submission).

gnomAD v4.1: 6 of 152,294 alleles (0.0039%); highest among the groups gnomAD compares: Non-Finnish European, 0.0074%; no homozygotes.

Submission:

Dasa
Classification: Likely benign. Last evaluated: 2025-12-23. Review status: criteria provided, single submitter. Criteria: DASA Assertion Criteria. Collection method: clinical testing. Allele origin: germline.
Comment: NM_000091.5(COL4A3):c.1927+249T>C is an intronic variant. The variant context is inconsistent with a known disease-causing mechanism. Computational prediction algorithms are consistent with a benign effect. Therefore, based on the currently available evidence, this variant is classified as likely benign.